The following is an entry in ClinVar:

NM_138773.4(SLC25A46):c.283+10A>G

Gene: SLC25A46 (solute carrier family 25 member 46; plus strand). Cytogenetic location: 5q22.1.
Variant type: single nucleotide variant.
Coding change: c.283+10A>G on transcript NM_138773.4 (MANE Select); 10 bases into the intron after coding-DNA position 283, A replaced by G.
Molecular consequence: intron variant.
Genome position (GRCh38, 1-based): chr5:110,739,412, A>G. VCF-style: chr5-110739412-A-G. GRCh37 (hg19) VCF-style: chr5-110075113-A-G.
Other names: p.?; c.10+1165A>G (NM_001303250.3); c.283+10A>G (NM_001303249.3, NM_138773.3).
Identifiers: ClinVar variation 1114416 (VCV001114416.14), dbSNP rs763772509, ClinGen allele CA3364512.

ClinVar aggregate classification (germline): Likely benign. Review status: criteria provided, multiple submitters, no conflicts (2 of 4 stars). 5 submissions from 5 submitters: Likely benign (5). Last evaluated 2026-08-18.

Conditions:
SLC25A46-related disorder. Also called: SLC25A46-related condition.
Neuropathy, hereditary motor and sensory, type 6B (HMSN6B). Also called: HMSN VIB; CHARCOT-MARIE-TOOTH DISEASE, TYPE 6B; Neuropathy, hereditary motor and sensory, type VIB; NEUROPATHY, HEREDITARY MOTOR AND SENSORY, TYPE VIB, WITH OPTIC ATROPHY. Identifiers: MedGen C4225302, MONDO:0014671, OMIM 616505.

Allele frequency attached by ClinVar (database versions not stated): gnomAD exomes 0.00011 and 0.00014; ExAC 0.00012; gnomAD 0.00012 and 0.00013; TOPMed 0.00013.

Submissions (5):

PreventionGenetics, part of Exact Sciences
Classification: Likely benign for SLC25A46-related condition. Last evaluated: 2026-08-18. Review status: criteria provided, single submitter. Criteria: ACMG Guidelines, 2015. Collection method: clinical testing. Allele origin: germline.
Comment: This variant is classified as likely benign based on ACMG/AMP sequence variant interpretation guidelines (Richards et al. 2015 PMID: 25741868, with internal and published modifications).

Labcorp Genetics (formerly Invitae), Labcorp
Classification: Likely benign for Neuropathy, hereditary motor and sensory, type 6B. Last evaluated: 2025-12-02. Review status: criteria provided, single submitter. Criteria: Invitae Variant Classification Sherloc (09022015). Collection method: clinical testing. Allele origin: germline.

Mayo Clinic Laboratories, Mayo Clinic
Classification: Likely benign. Last evaluated: 2025-06-09. Review status: criteria provided, single submitter. Criteria: ACMG Guidelines, 2015. Collection method: clinical testing. Allele origin: germline. Observed: 1 variant allele.
Comment: BP4, BP7

Women's Health and Genetics/Laboratory Corporation of America, LabCorp
Classification: Likely benign. Last evaluated: 2025-04-02. Review status: criteria provided, single submitter. Criteria: LabCorp Variant Classification Summary - May 2015. Collection method: clinical testing. Allele origin: germline.

Blueprint Genetics
Classification: Likely benign. Last evaluated: 2023-10-24. Review status: criteria provided, single submitter. Criteria: ACMG Guidelines, 2015. Collection method: clinical testing. Allele origin: germline.